The following is an entry in ClinVar:

NM_000059.4(BRCA2):c.1754A>G (p.Lys585Arg)

Gene: BRCA2 (BRCA2 DNA repair associated; plus strand). Cytogenetic location: 13q13.1.
Variant type: single nucleotide variant.
Coding change: c.1754A>G on transcript NM_000059.4 (MANE Select); coding-DNA position 1754, A replaced by G.
Protein change: p.Lys585Arg; replaces lysine 585 with arginine.
Molecular consequence: missense variant.
Genome position (GRCh38, 1-based): chr13:32,333,232, A>G. VCF-style: chr13-32333232-A-G. GRCh37 (hg19) VCF-style: chr13-32907369-A-G.
Other names: short protein forms K585R.
Identifiers: ClinVar variation 491208 (VCV000491208.10), dbSNP rs1555282049, ClinGen allele CA387765518.

ClinVar aggregate classification (germline): Conflicting classifications of pathogenicity. Review status: criteria provided, conflicting classifications (1 of 4 stars). 3 submissions from 3 submitters: Uncertain significance (2); Likely benign (1). Last evaluated 2023-03-23.

Conditions:
Hereditary cancer-predisposing syndrome. Also called: Hereditary Cancer Syndrome; Neoplastic Syndromes, Hereditary; Tumor predisposition; Hereditary neoplastic syndrome. Identifiers: Orphanet 140162, MedGen C0027672, MeSH D009386, MONDO:0015356.
Hereditary breast ovarian cancer syndrome. Also called: Breast and ovarian cancer; Hereditary breast and/or ovarian cancer syndrome; Hereditary breast and ovarian cancer; Hereditary breast and ovarian cancer syndrome (HBOC); BRCA1- and BRCA2-Associated Hereditary Breast and Ovarian Cancer; Hereditary breast and ovarian cancer syndrome. Identifiers: Orphanet 145, MedGen C0677776, MeSH D061325, MONDO:0003582. Disease mechanism: loss of function.

Submissions (3):

University of Washington Department of Laboratory Medicine, University of Washington
Classification: Likely benign for Hereditary cancer-predisposing syndrome. Last evaluated: 2023-03-23. Review status: criteria provided, single submitter. Criteria: Dines et al. (Genet Med. 2020). Collection method: curation. Allele origin: germline.
Comment: Missense variant in a coldspot region where missense variants are very unlikely to be pathogenic (PMID:31911673).

BRCA2 exon 10 coldspot. Reclassification based on statistical prior probability.

Labcorp Genetics (formerly Invitae), Labcorp
Classification: Uncertain significance for Hereditary breast ovarian cancer syndrome. Last evaluated: 2022-04-06. Review status: criteria provided, single submitter. Criteria: Invitae Variant Classification Sherloc (09022015). Collection method: clinical testing. Allele origin: germline.
Comment: In summary, the available evidence is currently insufficient to determine the role of this variant in disease. Therefore, it has been classified as a Variant of Uncertain Significance. Advanced modeling of protein sequence and biophysical properties (such as structural, functional, and spatial information, amino acid conservation, physicochemical variation, residue mobility, and thermodynamic stability) performed at Invitae indicates that this missense variant is not expected to disrupt BRCA2 protein function. ClinVar contains an entry for this variant (Variation ID: 491208). This missense change has been observed in individual(s) with breast cancer (PMID: 29700634). This variant is not present in population databases (gnomAD no frequency). This sequence change replaces lysine, which is basic and polar, with arginine, which is basic and polar, at codon 585 of the BRCA2 protein (p.Lys585Arg).

Color Diagnostics, LLC DBA Color Health
Classification: Uncertain significance for Hereditary cancer-predisposing syndrome. Last evaluated: 2019-04-28. Review status: criteria provided, single submitter. Criteria: ACMG Guidelines, 2015. Collection method: clinical testing. Allele origin: germline.

Literature cited by the submitters: PubMed 29700634 (cited by Labcorp Genetics (formerly Invitae), Labcorp).